The following is an entry in ClinVar:

ClinVar aggregate classification (germline): Uncertain significance (1 of 4 stars; one submission).

Allele frequency attached by ClinVar (database versions not stated): gnomAD exomes below 0.00001; ExAC 0.00001.
gnomAD v4.1: 6 of 1,611,816 alleles (0.00037%); highest among the groups gnomAD compares: South Asian, 0.0066%; 1 homozygote.

Submission:

Labcorp Genetics (formerly Invitae), Labcorp
Classification: Uncertain significance. Last evaluated: 2023-04-22. Review status: criteria provided, single submitter. Criteria: Invitae Variant Classification Sherloc (09022015). Collection method: clinical testing. Allele origin: germline.
Comment: In summary, the available evidence is currently insufficient to determine the role of this variant in disease. Therefore, it has been classified as a Variant of Uncertain Significance. Algorithms developed to predict the effect of sequence changes on RNA splicing suggest that this variant may create or strengthen a splice site. An algorithm developed to predict the effect of missense changes on protein structure and function (PolyPhen-2) suggests that this variant is likely to be disruptive. This variant has not been reported in the literature in individuals affected with AP3D1-related conditions. The frequency data for this variant in the population databases is considered unreliable, as metrics indicate poor data quality at this position in the gnomAD database. This sequence change replaces aspartic acid, which is acidic and polar, with tyrosine, which is neutral and polar, at codon 633 of the AP3D1 protein (p.Asp633Tyr).

NM_001261826.3(AP3D1):c.1897G>T (p.Asp633Tyr)

Gene: AP3D1 (adaptor related protein complex 3 subunit delta 1; minus strand). Cytogenetic location: 19p13.3.
Variant type: single nucleotide variant.
Coding change: c.1897G>T on transcript NM_001261826.3 (MANE Select); coding-DNA position 1897, G replaced by T.
Protein change: p.Asp633Tyr; replaces aspartic acid 633 with tyrosine.
Molecular consequence: missense variant.
Genome position (GRCh38, 1-based): chr19:2,116,709, C>A on the plus strand (G>T on the coding strand, the complement: AP3D1 is on the minus strand). VCF-style: chr19-2116709-C-A. GRCh37 (hg19) VCF-style: chr19-2116708-C-A.
Other names: c.1897G>T, p.Asp633Tyr (NM_001374799.1, NM_003938.8); short protein forms D633Y.
Identifiers: ClinVar variation 2974485 (VCV002974485.3), dbSNP rs762253124, ClinGen allele CA9059131.